The following is an entry in ClinVar:

ClinVar aggregate classification (germline): Likely pathogenic. Review status: criteria provided, multiple submitters, no conflicts (2 of 4 stars). 2 submissions from 2 submitters: Likely pathogenic (2). Last evaluated 2024-03-12.

Conditions:
Propionic acidemia (PROP). Also called: GLYCINEMIA, KETOTIC; HYPERGLYCINEMIA WITH KETOACIDOSIS AND LEUKOPENIA; KETOTIC HYPERGLYCINEMIA. Identifiers: Orphanet 35, MedGen C0268579, MONDO:0011628, OMIM 606054, HP:0003571.

gnomAD v4.1: 1 of 1,507,240 alleles (0.000066%); highest among the groups gnomAD compares: Non-Finnish European, 0.00009%; no homozygotes.

Submissions (2):

Natera, Inc.
Classification: Likely pathogenic for Propionic acidemia. Last evaluated: 2024-03-12. Review status: criteria provided, single submitter. Criteria: Natera Variant Classification Schema (03/2026). Collection method: clinical testing. Allele origin: germline.
Comment: The c.1899+1G>T variant in PCCA is a canonical splice donor site variant predicted to affect pre-mRNA splicing, which may result in an abnormal transcript and altered protein product. This variant is expected to result in nonsense mediated decay, truncation, or a dysfunctional protein product. This variant is rare in the general population with a frequency below the threshold expected for the associated phenotype(s). Given the available evidence, this variant is classified as Likely Pathogenic.

Baylor Genetics
Classification: Likely pathogenic for Propionic acidemia. Last evaluated: 2023-04-22. Review status: criteria provided, single submitter. Criteria: ACMG Guidelines, 2015. Collection method: clinical testing. Allele origin: unknown.

NM_000282.4(PCCA):c.1899+1G>T

Gene: PCCA (propionyl-CoA carboxylase subunit alpha; plus strand). Cytogenetic location: 13q32.3.
Variant type: single nucleotide variant.
Coding change: c.1899+1G>T on transcript NM_000282.4 (MANE Select); the canonical splice donor site of the intron after coding-DNA position 1899, G replaced by T.
Molecular consequence: splice donor variant. On other transcripts: intron variant (2).
Genome position (GRCh38, 1-based): chr13:100,449,306, G>T. VCF-style: chr13-100449306-G-T. GRCh37 (hg19) VCF-style: chr13-101101560-G-T.
Other names: c.1899+1G>T (NM_001178004.2, NM_001352609.2, NM_000282.3); c.1845+23575G>T (NM_001352605.2); c.1755+1G>T (NM_001352606.2); c.954+1G>T (NM_001352610.2); c.900+23575G>T (NM_001352611.2); c.810+1G>T (NM_001352612.2); c.1821+1G>T (NM_001127692.3, NM_001352607.2); c.1677+1G>T (NM_001352608.2).
Identifiers: ClinVar variation 2677503 (VCV002677503.2), dbSNP rs2548793915, ClinGen allele CA388696034.